The following is an entry in ClinVar:

ClinVar aggregate classification (germline): Uncertain significance (1 of 4 stars; one submission).

Allele frequency attached by ClinVar (database versions not stated): ExAC 0.00001.
gnomAD v4.1: 13 of 1,614,258 alleles (0.00081%); highest among the groups gnomAD compares: Non-Finnish European, 0.0011%; no homozygotes.

Submission:

Labcorp Genetics (formerly Invitae), Labcorp
Classification: Uncertain significance. Last evaluated: 2022-05-28. Review status: criteria provided, single submitter. Criteria: Invitae Variant Classification Sherloc (09022015). Collection method: clinical testing. Allele origin: germline.
Comment: In summary, the available evidence is currently insufficient to determine the role of this variant in disease. Therefore, it has been classified as a Variant of Uncertain Significance. Advanced modeling of protein sequence and biophysical properties (such as structural, functional, and spatial information, amino acid conservation, physicochemical variation, residue mobility, and thermodynamic stability) performed at Invitae indicates that this missense variant is not expected to disrupt CNGB1 protein function. This variant has not been reported in the literature in individuals affected with CNGB1-related conditions. This variant is present in population databases (rs767977155, gnomAD 0.002%). This sequence change replaces serine, which is neutral and polar, with asparagine, which is neutral and polar, at codon 321 of the CNGB1 protein (p.Ser321Asn).

NM_001297.5(CNGB1):c.962G>A (p.Ser321Asn)

Gene: CNGB1 (cyclic nucleotide gated channel subunit beta 1; minus strand). Cytogenetic location: 16q21.
Variant type: single nucleotide variant.
Coding change: c.962G>A on transcript NM_001297.5 (MANE Select); coding-DNA position 962, G replaced by A.
Protein change: p.Ser321Asn; replaces serine 321 with asparagine.
Molecular consequence: missense variant.
Genome position (GRCh38, 1-based): chr16:57,950,453, C>T on the plus strand (G>A on the coding strand, the complement: CNGB1 is on the minus strand). VCF-style: chr16-57950453-C-T. GRCh37 (hg19) VCF-style: chr16-57984357-C-T.
Other names: c.944G>A, p.Ser315Asn (NM_001286130.2); short protein forms S321N, S315N.
Identifiers: ClinVar variation 1954870 (VCV001954870.3), dbSNP rs767977155, ClinGen allele CA8083610.